The following is an entry in ClinVar:

ClinVar aggregate classification (germline): Uncertain significance (1 of 4 stars; one submission).

Conditions:
Early-infantile DEE. Also called: Early infantile epileptic encephalopathy; Ohtahara syndrome; Early infantile epileptic encephalopathy with suppression bursts. Identifiers: Orphanet 1934, MedGen C0393706, MONDO:0800491.

Allele frequency attached by ClinVar (database versions not stated): gnomAD exomes below 0.00001; TOPMed below 0.00001; ExAC 0.00001.

Submission:

Labcorp Genetics (formerly Invitae), Labcorp
Classification: Uncertain significance for Early-infantile DEE. Last evaluated: 2019-09-26. Review status: criteria provided, single submitter. Criteria: Invitae Variant Classification Sherloc (09022015). Collection method: clinical testing. Allele origin: germline.
Comment: In summary, the available evidence is currently insufficient to determine the role of this variant in disease. Therefore, it has been classified as a Variant of Uncertain Significance. Algorithms developed to predict the effect of missense changes on protein structure and function (SIFT, PolyPhen-2, Align-GVGD) all suggest that this variant is likely to be disruptive, but these predictions have not been confirmed by published functional studies and their clinical significance is uncertain. This variant has not been reported in the literature in individuals with ARHGEF15-related conditions. This variant is present in population databases (rs754839800, ExAC 0.006%). This sequence change replaces proline with leucine at codon 503 of the ARHGEF15 protein (p.Pro503Leu). The proline residue is highly conserved and there is a moderate physicochemical difference between proline and leucine.

NM_173728.4(ARHGEF15):c.1508C>T (p.Pro503Leu)

Gene: ARHGEF15 (Rho guanine nucleotide exchange factor 15; plus strand). Cytogenetic location: 17p13.1.
Variant type: single nucleotide variant.
Coding change: c.1508C>T on transcript NM_173728.4 (MANE Select); coding-DNA position 1508, C replaced by T.
Protein change: p.Pro503Leu; replaces proline 503 with leucine.
Molecular consequence: missense variant.
Genome position (GRCh38, 1-based): chr17:8,315,841, C>T. VCF-style: chr17-8315841-C-T. GRCh37 (hg19) VCF-style: chr17-8219159-C-T.
Other names: c.1508C>T, p.Pro503Leu (NM_025014.2); short protein forms P503L.
Identifiers: ClinVar variation 942324 (VCV000942324.10), dbSNP rs754839800, ClinGen allele CA8375198.